The following is an entry in ClinVar:

NM_152594.3(SPRED1):c.685G>T (p.Val229Phe)

Gene: SPRED1 (sprouty related EVH1 domain containing 1; plus strand). Cytogenetic location: 15q14.
Variant type: single nucleotide variant.
Coding change: c.685G>T on transcript NM_152594.3 (MANE Select); coding-DNA position 685, G replaced by T.
Protein change: p.Val229Phe; replaces valine 229 with phenylalanine.
Molecular consequence: missense variant.
Genome position (GRCh38, 1-based): chr15:38,351,014, G>T. VCF-style: chr15-38351014-G-T. GRCh37 (hg19) VCF-style: chr15-38643215-G-T.
Other names: short protein forms V229F.
Identifiers: ClinVar variation 536690 (VCV000536690.11), dbSNP rs201837340, ClinGen allele CA269293438.
Genomic context (GRCh38, chr15:38,351,014, plus strand): 5'-GTGACACGTAAAATTAACCATCATAGCCCTCATTGCAGTTTTTATCTGTTTCTTTTTTAG[G>T]TCCCTTTGAAATCAATCAGACATGTCAGCTTTCAAGATGAGGATGAGATTGTCAGAATAA-3'
Protein context (NP_689807.1, residues 219-239): ECGSLKSQNR[Val229Phe]PLKSIRHVSF

ClinVar aggregate classification (germline): Uncertain significance. Review status: criteria provided, multiple submitters, no conflicts (2 of 4 stars). 2 submissions from 2 submitters: Uncertain significance (2). Last evaluated 2026-06-18.

Conditions:
Cardiovascular phenotype. Identifiers: MedGen CN230736.
Legius syndrome. Identifiers: Orphanet 137605, MedGen C1969623, MONDO:0012669, OMIM 611431. Disease mechanism: loss of function.

Allele frequency attached by ClinVar (database versions not stated): gnomAD exomes below 0.00001.
gnomAD v4.1: 1 of 1,612,108 alleles (0.000062%); highest among the groups gnomAD compares: Non-Finnish European, 0.000085%; no homozygotes.

Submissions (2):

Ambry Genetics
Classification: Uncertain significance for Cardiovascular phenotype. Last evaluated: 2026-06-18. Review status: criteria provided, single submitter. Criteria: Ambry Variant Classification Scheme 2023. Collection method: clinical testing. Allele origin: germline.

Labcorp Genetics (formerly Invitae), Labcorp
Classification: Uncertain significance for Legius syndrome. Last evaluated: 2025-11-19. Review status: criteria provided, single submitter. Criteria: Invitae Variant Classification Sherloc (09022015). Collection method: clinical testing. Allele origin: germline.
Comment: This sequence change replaces valine, which is neutral and non-polar, with phenylalanine, which is neutral and non-polar, at codon 229 of the SPRED1 protein (p.Val229Phe). This variant is present in population databases (rs201837340, gnomAD 0.0009%). This variant has not been reported in the literature in individuals affected with SPRED1-related conditions. ClinVar contains an entry for this variant (Variation ID: 536690). Invitae Evidence Modeling incorporating data from in vitro experimental studies (internal data) indicates that this missense variant is not expected to disrupt SPRED1 function with a negative predictive value of 95%. In summary, the available evidence is currently insufficient to determine the role of this variant in disease. Therefore, it has been classified as a Variant of Uncertain Significance.